The following is an entry in ClinVar:

ClinVar aggregate classification (germline): Uncertain significance. Review status: criteria provided, multiple submitters, no conflicts (2 of 4 stars). 4 submissions from 4 submitters: Uncertain significance (4). Last evaluated 2025-06-05.

Conditions:
Cardiovascular phenotype. Identifiers: MedGen CN230736.
Brittle cornea syndrome 1 (BCS1). Also called: CORNEAL FRAGILITY, KERATOGLOBUS, BLUE SCLERAE, JOINT HYPEREXTENSIBILITY; EDS6B; FRAGILITAS OCULI WITH JOINT HYPEREXTENSIBILITY; Corneal fragility keratoglobus, blue sclerae AND joint hypermobility; DYSGENESIS MESODERMALIS CORNEAE ET SCLERAE. Identifiers: Orphanet 90354, MedGen C0268344, MONDO:0024543, OMIM 229200.

Allele frequency attached by ClinVar (database versions not stated): TOPMed below 0.00001.
gnomAD v4.1: 2 of 1,515,890 alleles (0.00013%); highest among the groups gnomAD compares: South Asian, 0.0012%; no homozygotes.

Submissions (4):

Women's Health and Genetics/Laboratory Corporation of America, LabCorp
Classification: Uncertain significance. Last evaluated: 2025-06-05. Review status: criteria provided, single submitter. Criteria: LabCorp Variant Classification Summary - May 2015. Collection method: clinical testing. Allele origin: germline.
Comment: Variant summary: ZNF469 c.2914G>A (p.Gly972Ser) results in a non-conservative amino acid change in the encoded protein sequence. Algorithms developed to predict the effect of missense changes on protein structure and function are either unavailable or do not agree on the potential impact of this missense change. The frequency data for this variant in gnomAD is considered unreliable, as metrics indicate poor data quality at this position. To our knowledge, no occurrence of c.2914G>A in individuals affected with Brittle cornea syndrome 1 and no experimental evidence demonstrating its impact on protein function have been reported. ClinVar contains an entry for this variant (Variation ID: 1797609). Based on the evidence outlined above, the variant was classified as uncertain significance.

Labcorp Genetics (formerly Invitae), Labcorp
Classification: Uncertain significance. Last evaluated: 2025-04-19. Review status: criteria provided, single submitter. Criteria: Invitae Variant Classification Sherloc (09022015). Collection method: clinical testing. Allele origin: germline.
Comment: This sequence change replaces glycine, which is neutral and non-polar, with serine, which is neutral and polar, at codon 972 of the ZNF469 protein (p.Gly972Ser). This variant is not present in population databases (gnomAD no frequency). This variant has not been reported in the literature in individuals affected with ZNF469-related conditions. ClinVar contains an entry for this variant (Variation ID: 1797609). An algorithm developed to predict the effect of missense changes on protein structure and function outputs the following: PolyPhen-2: "Possibly Damaging". The serine amino acid residue is found in multiple mammalian species, which suggests that this missense change does not adversely affect protein function. In summary, the available evidence is currently insufficient to determine the role of this variant in disease. Therefore, it has been classified as a Variant of Uncertain Significance.

Revvity Omics, Revvity
Classification: Uncertain significance for Brittle cornea syndrome 1. Last evaluated: 2022-07-26. Review status: criteria provided, single submitter. Criteria: ACMG Guidelines, 2015. Collection method: clinical testing. Allele origin: germline.

Ambry Genetics
Classification: Uncertain significance for Cardiovascular phenotype. Last evaluated: 2021-11-24. Review status: criteria provided, single submitter. Criteria: Ambry Variant Classification Scheme 2023. Collection method: clinical testing. Allele origin: germline.
Comment: The p.G972S variant (also known as c.2914G>A), located in coding exon 1 of the ZNF469 gene, results from a G to A substitution at nucleotide position 2914. The glycine at codon 972 is replaced by serine, an amino acid with similar properties. This amino acid position is conserved. In addition, this alteration is predicted to be tolerated by in silico analysis. Since supporting evidence is limited at this time, the clinical significance of this alteration remains unclear.

NM_001367624.2(ZNF469):c.2914G>A (p.Gly972Ser)

Gene: ZNF469 (zinc finger protein 469; plus strand). Cytogenetic location: 16q24.2.
Variant type: single nucleotide variant.
Coding change: c.2914G>A on transcript NM_001367624.2 (MANE Select); coding-DNA position 2914, G replaced by A.
Protein change: p.Gly972Ser; replaces glycine 972 with serine.
Molecular consequence: missense variant.
Genome position (GRCh38, 1-based): chr16:88,430,384, G>A. VCF-style: chr16-88430384-G-A. GRCh37 (hg19) VCF-style: chr16-88496792-G-A.
Other names: NM_001127464.1:c.2914G>A; short protein forms G972S.
Identifiers: ClinVar variation 1797609 (VCV001797609.7), dbSNP rs1167495569, ClinGen allele CA397076145.